The following is an entry in ClinVar:

ClinVar aggregate classification (germline): Benign/Likely benign. Review status: criteria provided, multiple submitters, no conflicts (2 of 4 stars). 3 submissions from 3 submitters: Benign (1); Likely benign (2). Last evaluated 2024-03-27.

Conditions:
Familial adenomatous polyposis 1 (FAP1). Also called: FAMILIAL ADENOMATOUS POLYPOSIS 1, ATTENUATED; POLYPOSIS, ADENOMATOUS INTESTINAL. Identifiers: MedGen C2713442, MONDO:0021056, OMIM 175100. Disease mechanism: loss of function.
Hereditary cancer-predisposing syndrome. Also called: Neoplastic Syndromes, Hereditary; Tumor predisposition; Hereditary Cancer Syndrome; Hereditary neoplastic syndrome. Identifiers: Orphanet 140162, MedGen C0027672, MeSH D009386, MONDO:0015356.

Submissions (3):

Myriad Genetics, Inc.
Classification: Benign for Familial adenomatous polyposis 1. Last evaluated: 2024-03-27. Review status: criteria provided, single submitter. Criteria: Myriad Autosomal Dominant, Autosomal Recessive and X-Linked Classification Criteria (2023). Collection method: clinical testing. Allele origin: unknown.
Comment: This variant is considered benign. This variant is a silent/synonymous amino acid change and it is not expected to impact splicing.

Labcorp Genetics (formerly Invitae), Labcorp
Classification: Likely benign for Familial adenomatous polyposis 1. Last evaluated: 2022-01-24. Review status: criteria provided, single submitter. Criteria: Invitae Variant Classification Sherloc (09022015). Collection method: clinical testing. Allele origin: germline.

Color Diagnostics, LLC DBA Color Health
Classification: Likely benign for Hereditary cancer-predisposing syndrome. Last evaluated: 2019-11-11. Review status: criteria provided, single submitter. Criteria: ACMG Guidelines, 2015. Collection method: clinical testing. Allele origin: germline.

NM_000038.6(APC):c.4539G>A (p.Glu1513=)

Gene: APC (APC regulator of Wnt signaling pathway; plus strand). Cytogenetic location: 5q22.2.
Variant type: single nucleotide variant.
Coding change: c.4539G>A on transcript NM_000038.6 (MANE Select); coding-DNA position 4539, G replaced by A.
Protein change: p.Glu1513=; no amino-acid change (glutamic acid 1513 retained).
Molecular consequence: synonymous variant.
Genome position (GRCh38, 1-based): chr5:112,840,133, G>A. VCF-style: chr5-112840133-G-A. GRCh37 (hg19) VCF-style: chr5-112175830-G-A.
Other names: c.4539G>A, p.Glu1513= (NM_001127510.3, NM_001354895.2); c.4485G>A, p.Glu1495= (NM_001127511.3); c.4593G>A, p.Glu1531= (NM_001354896.2); c.4569G>A, p.Glu1523= (NM_001354897.2); c.4464G>A, p.Glu1488= (NM_001354898.2); c.4455G>A, p.Glu1485= (NM_001354899.2); c.4416G>A, p.Glu1472= (NM_001354900.2); c.4362G>A, p.Glu1454= (NM_001354901.2); and 5 more.
Identifiers: ClinVar variation 924380 (VCV000924380.8), dbSNP rs1765705666, ClinGen allele CA446206573.
Genomic context (GRCh38, chr5:112,840,133, plus strand): 5'-GGAAAGTACTCCAGATGGATTTTCTTGTTCATCCAGCCTGAGTGCTCTGAGCCTCGATGA[G>A]CCATTTATACAGAAAGATGTGGAATTAAGAATAATGCCTCCAGTTCAGGAAAATGACAAT-3'
Protein context (NP_000029.2, residues 1503-1523): SSSLSALSLD[Glu1513=]PFIQKDVELR